The following is an entry in ClinVar:

ClinVar aggregate classification (germline): Benign (1 of 4 stars; one submission).

Allele frequency attached by ClinVar (database versions not stated): 1000 Genomes Project 30x 0.10587; 1000 Genomes Project 0.10643; TOPMed 0.11812; gnomAD 0.11859 and 0.12136.
gnomAD v4.1: 17,978 of 152,270 alleles (12%); highest among the groups gnomAD compares: African/African-American, 16%; 1,166 homozygotes.

Submission:

GeneDx
Classification: Benign. Last evaluated: 2018-06-20. Review status: criteria provided, single submitter. Criteria: GeneDx Variant Classification (06012015). Collection method: clinical testing. Allele origin: germline. Affected: yes.
Comment: This variant is considered likely benign or benign based on one or more of the following criteria: it is a conservative change, it occurs at a poorly conserved position in the protein, it is predicted to be benign by multiple in silico algorithms, and/or has population frequency not consistent with disease.

NM_000264.5(PTCH1):c.395-231T>C

Gene: PTCH1 (patched 1; minus strand). Cytogenetic location: 9q22.32.
Variant type: single nucleotide variant.
Coding change: c.395-231T>C on transcript NM_000264.5 (MANE Select); 231 bases into the intron before coding-DNA position 395, T replaced by C.
Molecular consequence: intron variant.
Genome position (GRCh38, 1-based): chr9:95,486,105, A>G on the plus strand (T>C on the coding strand, the complement: PTCH1 is on the minus strand). VCF-style: chr9-95486105-A-G. GRCh37 (hg19) VCF-style: chr9-98248387-A-G.
Other names: c.392-231T>C (NM_001083603.3); c.197-231T>C (NM_001083602.3, NM_001354919.2); c.395-231T>C (NM_001354918.2); c.-59-231T>C (NM_001083605.3, NM_001083604.3, NM_001083606.3 and 1 more transcripts).
Identifiers: ClinVar variation 677046 (VCV000677046.1), dbSNP rs2282041, ClinGen allele CA16368265.